The following is an entry in ClinVar:

NM_001193329.3(AOPEP):c.1134_1135del (p.Cys378fs)

Gene: AOPEP (aminopeptidase O (putative); plus strand). Cytogenetic location: 9q22.32.
Variant type: Deletion.
Coding change: c.1134_1135del on transcript NM_001193329.3 (MANE Select); coding-DNA positions 1134 to 1135, 2 bases deleted (CA; older notation c.1134_1135delCA).
Protein change: p.Cys378fs; shifts the reading frame from cysteine 378.
Molecular consequence: frameshift variant. On other transcripts: non-coding transcript variant (5).
Genome position (GRCh38, 1-based): chr9:94,800,772-94,800,773, CA deleted. VCF-style (leftmost placement, unchanged base first): chr9-94800771-GCA-G. GRCh37 (hg19) VCF-style: chr9-97563053-GCA-G.
Other names: c.1134_1135del, p.Cys378fs (NM_001193331.3, NM_001386063.2, NM_001386066.1 and 10 more transcripts); c.141_142del, p.Cys47fs (NM_001386061.1); c.813_814del, p.Cys271fs (NM_001386062.2); c.264_265del, p.Cys88fs (NM_001386073.1); short protein forms C271fs, C378fs, C47fs, C88fs.
Identifiers: ClinVar variation 3779336 (VCV003779336.6).

ClinVar aggregate classification (germline): Conflicting classifications of pathogenicity. Review status: criteria provided, conflicting classifications (1 of 4 stars). 2 submissions from 2 submitters: Pathogenic (1); Uncertain significance (1). Last evaluated 2025-12-01.

Conditions:
Dystonia 31. Also called: ZECH-BOESCH SYNDROME. Identifiers: MedGen C5562001, MONDO:0030455, OMIM 619565.

Submissions (2):

CeGaT Center for Human Genetics Tuebingen
Classification: Pathogenic. Last evaluated: 2025-12-01. Review status: criteria provided, single submitter. Criteria: CeGaT Center For Human Genetics Tuebingen Variant Classification Criteria Version 2. Collection method: clinical testing. Allele origin: germline. Affected: yes. Observed: 1 variant allele.
Comment: AOPEP: PVS1, PM2

Department of Pathology and Laboratory Medicine, Sinai Health System
Classification: Uncertain significance for Dystonia 31. Last evaluated: 2022-12-02. Review status: criteria provided, single submitter. Criteria: ACMG Guidelines, 2015. Collection method: research. Allele origin: germline.